The following is an entry in ClinVar:

ClinVar aggregate classification (germline): Uncertain significance. Review status: criteria provided, multiple submitters, no conflicts (2 of 4 stars). 2 submissions from 2 submitters: Uncertain significance (2). Last evaluated 2020-12-23.

Conditions:
Catecholaminergic polymorphic ventricular tachycardia 1. Also called: VENTRICULAR TACHYCARDIA, STRESS-INDUCED POLYMORPHIC 1; VENTRICULAR TACHYCARDIA, CATECHOLAMINERGIC POLYMORPHIC, 1, WITH OR WITHOUT ATRIAL DYSFUNCTION AND/OR DILATED CARDIOMYOPATHY; RYR2-Related Catecholaminergic Polymorphic Ventricular Tachycardia. Identifiers: Orphanet 3286, MedGen C1631597, MONDO:0011484, OMIM 604772.
Cardiovascular phenotype. Identifiers: MedGen CN230736.

Allele frequency attached by ClinVar (database versions not stated): ExAC 0.00001; 1000 Genomes Project 30x 0.00016; 1000 Genomes Project 0.00020.
gnomAD v4.1: 6 of 1,596,318 alleles (0.00038%); highest among the groups gnomAD compares: African/African-American, 0.0081%; no homozygotes.

Submissions (2):

Labcorp Genetics (formerly Invitae), Labcorp
Classification: Uncertain significance for Catecholaminergic polymorphic ventricular tachycardia 1. Last evaluated: 2020-12-23. Review status: criteria provided, single submitter. Criteria: Invitae Variant Classification Sherloc (09022015). Collection method: clinical testing. Allele origin: germline.
Comment: In summary, the available evidence is currently insufficient to determine the role of this variant in disease. Therefore, it has been classified as a Variant of Uncertain Significance. Algorithms developed to predict the effect of sequence changes on RNA splicing suggest that this variant may disrupt the consensus splice site, but this prediction has not been confirmed by published transcriptional studies. This variant has not been reported in the literature in individuals with TRDN-related conditions. This variant is present in population databases (rs535908547, ExAC 0.01%). This sequence change affects a donor splice site in intron 12 of the TRDN gene. It is expected to disrupt RNA splicing. Variants that disrupt the donor or acceptor splice site typically lead to a loss of protein function (PMID: 16199547). This variant occurs in the long isoform of TRDN, also known as Trisk-95 (PMID: 19403623). The current clinical and genetic evidence is not sufficient to establish whether loss-of-function variants in the long isoform of TRDN cause disease.

Ambry Genetics
Classification: Uncertain significance for Cardiovascular phenotype. Last evaluated: 2019-06-21. Review status: criteria provided, single submitter. Criteria: Ambry Variant Classification Scheme 2023. Collection method: clinical testing. Allele origin: germline.
Comment: The c.1051+1G>T intronic variant results from a G to T substitution one nucleotide after coding exon 12 of the TRDN gene. This nucleotide position is highly conserved in available vertebrate species. Using the BDGP and ESEfinder splice site prediction tools, this alteration is predicted to abolish the native splice donor site; direct evidence is unavailable. Alterations that disrupt the canonical splice site are expected to cause aberrant splicing, resulting in an abnormal protein or a transcript that is subject to nonsense-mediated mRNA decay. However, this alteration does not impact the predominant cardiac isoform of TRDN (NM_001256021.1; Kobayashi YM et al. J. Biol. Chem., 1999 Oct;274:28660-8). Since supporting evidence is limited at this time, the clinical significance of this alteration remains unclear.

Literature cited by the submitters: PubMed 16199547 (cited by Labcorp Genetics (formerly Invitae), Labcorp); PubMed 19403623 (cited by Labcorp Genetics (formerly Invitae), Labcorp).

NM_006073.4(TRDN):c.1051+1G>T

Gene: TRDN (triadin; minus strand). Cytogenetic location: 6q22.31.
Variant type: single nucleotide variant.
Coding change: c.1051+1G>T on transcript NM_006073.4 (MANE Select); the canonical splice donor site of the intron after coding-DNA position 1051, G replaced by T.
Molecular consequence: splice donor variant.
Genome position (GRCh38, 1-based): chr6:123,438,062, C>A on the plus strand (G>T on the coding strand, the complement: TRDN is on the minus strand). VCF-style: chr6-123438062-C-A. GRCh37 (hg19) VCF-style: chr6-123759207-C-A.
Other names: c.994+1G>T (NM_001407315.1); c.1054+1G>T (NM_001251987.2).
Identifiers: ClinVar variation 1068251 (VCV001068251.10), dbSNP rs535908547, ClinGen allele CA3984168.